The following is an entry in ClinVar:

NM_001267550.2(TTN):c.84640A>G (p.Met28214Val)

Genes: TTN (titin; minus strand), TTN-AS1 (TTN antisense RNA 1; plus strand). Cytogenetic location: 2q31.2.
Variant type: single nucleotide variant.
Coding change: c.84640A>G on transcript NM_001267550.2 (MANE Select); coding-DNA position 84640, A replaced by G.
Protein change: p.Met28214Val; replaces methionine 28214 with valine.
Molecular consequence: missense variant.
Genome position (GRCh38, 1-based): chr2:178,561,492, T>C on the plus strand (A>G on the coding strand, the complement: TTN is on the minus strand). VCF-style: chr2-178561492-T-C. GRCh37 (hg19) VCF-style: chr2-179426219-T-C.
Other names: c.79717A>G, p.Met26573Val (NM_001256850.1); c.57445A>G, p.Met19149Val (NM_003319.4); c.76936A>G, p.Met25646Val (NM_133378.4); c.57820A>G, p.Met19274Val (NM_133432.3); c.58021A>G, p.Met19341Val (NM_133437.4); short protein forms M28214V, M25646V, M19341V, M19149V, M19274V, M26573V.
Identifiers: ClinVar variation 405015 (VCV000405015.67), dbSNP rs72648221, ClinGen allele CA1988755.
Genomic context (GRCh38, chr2:178,561,492, plus strand): 5'-TATTTTCAGCATATACACGATACTCATACATCAGTCCTTCATCAAGGCCGGAGACTTTCA[T>C]TTGAGTATCAGCAATGAGGATTTTATTTGCTTTTGACCAAAGAATGCTGCTTCTTTCTTT-3'
Protein context (NP_001254479.2, residues 28204-28224): ANKILIADTQ[Met28214Val]KVSGLDEGLM

ClinVar aggregate classification (germline): Conflicting classifications of pathogenicity. Review status: criteria provided, conflicting classifications (1 of 4 stars). 22 submissions from 18 submitters: Uncertain significance (7); Benign (2); Likely benign (8). 5 of the submissions do not count toward it. Last evaluated 2026-04-21.

Conditions:
Autosomal recessive limb-girdle muscular dystrophy type 2J (LGMDR10). Also called: Limb-girdle muscular dystrophy, type 2J; MUSCULAR DYSTROPHY, LIMB-GIRDLE, AUTOSOMAL RECESSIVE 10. Identifiers: Orphanet 140922, MedGen C1837342, MONDO:0012127, OMIM 608807.
Dilated cardiomyopathy 1G (CMD1G). Identifiers: Orphanet 154, MedGen C1858763, MONDO:0011400, OMIM 604145.
Cardiomyopathy (CMYO). Also called: Cardiomyopathies. Identifiers: Orphanet 167848, MedGen C0878544, MONDO:0004994, HP:0001638. Inheritance: Various modes of inheritance.
Myopathy, myofibrillar, 9, with early respiratory failure (MFM9). Also called: Myopathy, distal, with early respiratory failure, autosomal dominant; Hereditary myopathy with early respiratory failure; MYOPATHY, PROXIMAL, WITH EARLY RESPIRATORY MUSCLE INVOLVEMENT; EDSTROM MYOPATHY. Identifiers: Orphanet 178464, Orphanet 34521, MedGen C1863599, MONDO:0011362, OMIM 603689.
Early-onset myopathy with fatal cardiomyopathy (CMYO5). Also called: CONGENITAL MYOPATHY 5 WITH CARDIOMYOPATHY; Salih Myopathy. Identifiers: Orphanet 289377, MedGen C2673677, MONDO:0012714, OMIM 611705. Disease mechanism: loss of function.
Cardiovascular phenotype. Identifiers: MedGen CN230736.
Tibial muscular dystrophy (TMD). Also called: Tibial muscular dystrophy, tardive; Udd Distal Myopathy – Tibial Muscular Dystrophy; UDD MYOPATHY. Identifiers: Orphanet 609, MedGen C1838244, MONDO:0010870, OMIM 600334.
TTN-related disorder. Also called: TTN-related condition; TTN-related disease; TTN-related disorders.

Allele frequency attached by ClinVar (database versions not stated): ESP Exome Variant Server 0.00017; gnomAD exomes 0.00024; ExAC 0.00027; gnomAD 0.00030 and 0.00031; 1000 Genomes Project 30x 0.00031; TOPMed 0.00031; 1000 Genomes Project 0.00040.
gnomAD v4.1: 755 of 1,613,768 alleles (0.047%); highest among the groups gnomAD compares: Non-Finnish European, 0.06%; 2 homozygotes.

Submissions (22):

Women's Health and Genetics/Laboratory Corporation of America, LabCorp
Classification: Likely benign. Last evaluated: 2026-04-21. Review status: criteria provided, single submitter. Criteria: LabCorp Variant Classification Summary - May 2015. Collection method: clinical testing. Allele origin: germline.
Comment: Variant summary: TTN c.76936A>G (p.Met25646Val) results in a conservative amino acid change located in the A-band region of the encoded protein sequence. Algorithms developed to predict the effect of missense changes on protein structure and function all suggest that this variant is likely to be tolerated. The variant allele was found at a frequency of 0.00047 in 1606800 control chromosomes in the gnomAD database including 2 homozygotes, predominantly within the Non-Finnish European subpopulation at a frequency of 0.0006. The observed variant frequency within Non-Finnish European control individuals in the gnomAD database exceeds the estimated maximal expected allele frequency for disease-causing variants in TTN. To our knowledge, no occurrence of c.76936A>G in individuals affected with TTN-related conditions and no experimental evidence demonstrating its impact on protein function have been reported. ClinVar contains an entry for this variant (Variation ID: 405015). Based on the evidence outlined above, the variant was classified as likely benign.

CeGaT Center for Human Genetics Tuebingen
Classification: Likely benign. Last evaluated: 2025-11-01. Review status: criteria provided, single submitter. Criteria: CeGaT Center For Human Genetics Tuebingen Variant Classification Criteria Version 2. Collection method: clinical testing. Allele origin: germline. Affected: yes. Observed: 4 variant alleles.
Comment: TTN: BS1

PreventionGenetics, part of Exact Sciences
Classification: Likely benign for TTN-related condition. Last evaluated: 2025-08-05. Review status: criteria provided, single submitter. Criteria: ACMG Guidelines, 2015. Collection method: clinical testing. Allele origin: germline.
Comment: This variant is classified as likely benign based on ACMG/AMP sequence variant interpretation guidelines (Richards et al. 2015 PMID: 25741868, with internal and published modifications).

Molecular Diagnostic Laboratory for Inherited Cardiovascular Disease, Montreal Heart Institute
Classification: Likely benign. Last evaluated: 2025-04-09. Review status: criteria provided, single submitter. Criteria: ACMG Guidelines, 2015. Collection method: clinical testing. Allele origin: germline. Affected: no.
Comment: BP1

Blueprint Genetics
Classification: Likely benign. Last evaluated: 2024-11-18. Review status: criteria provided, single submitter. Criteria: ACMG Guidelines, 2015. Collection method: clinical testing. Allele origin: germline.

Revvity Omics, Revvity
Classification: Likely benign. Last evaluated: 2023-11-07. Review status: criteria provided, single submitter. Criteria: ACMG Guidelines, 2015. Collection method: clinical testing. Allele origin: germline.

CHEO Genetics Diagnostic Laboratory, Children's Hospital of Eastern Ontario
Classification: Likely benign for Cardiomyopathy. Last evaluated: 2021-06-10. Review status: criteria provided, single submitter. Criteria: ACMG Guidelines, 2015. Collection method: clinical testing. Allele origin: germline.

GeneDx
Classification: Likely benign. Last evaluated: 2021-04-29. Review status: criteria provided, single submitter. Criteria: GeneDx Variant Classification Process June 2021. Collection method: clinical testing. Allele origin: germline. Affected: yes.

Mayo Clinic Laboratories, Mayo Clinic
Classification: Uncertain significance. Last evaluated: 2020-04-22. Review status: criteria provided, single submitter. Criteria: ACMG Guidelines, 2015. Collection method: clinical testing. Allele origin: germline. Observed: 1 variant allele.

Ambry Genetics
Classification: Uncertain significance for Cardiovascular phenotype. Last evaluated: 2018-11-02. Review status: criteria provided, single submitter. Criteria: Ambry Variant Classification Scheme 2023. Collection method: clinical testing. Allele origin: germline.
Comment: The p.M19149V variant (also known as c.57445A>G), located in coding exon 153 of the TTN gene, results from an A to G substitution at nucleotide position 57445. The methionine at codon 19149 is replaced by valine, an amino acid with highly similar properties. This amino acid position is not well conserved in available vertebrate species. In addition, this alteration is predicted to be tolerated by in silico analysis. Since supporting evidence is limited at this time, the clinical significance of this alteration remains unclear.

Eurofins Ntd Llc (ga)
Classification: Uncertain significance. Last evaluated: 2018-04-23. Review status: criteria provided, single submitter. Criteria: EGL ClinVar v180209 classification definitions. Collection method: clinical testing. Allele origin: germline. Observed: 1 variant allele, 1 heterozygote.

Illumina Laboratory Services, Illumina
Classification: Uncertain significance for Autosomal recessive limb-girdle muscular dystrophy type 2J. Last evaluated: 2018-01-13. Review status: criteria provided, single submitter. Criteria: ICSL Variant Classification Criteria 13 December 2019. Collection method: clinical testing. Allele origin: germline.

Illumina Laboratory Services, Illumina
Classification: Benign for Tibial muscular dystrophy. Last evaluated: 2018-01-13. Review status: criteria provided, single submitter. Criteria: ICSL Variant Classification Criteria 13 December 2019. Collection method: clinical testing. Allele origin: germline.
Comment: This variant was observed in the ICSL laboratory as part of a predisposition screen in an ostensibly healthy population. It had not been previously curated by ICSL or reported in the Human Gene Mutation Database (HGMD: prior to June 1st, 2018), and was therefore a candidate for classification through an automated scoring system. Utilizing variant allele frequency, disease prevalence and penetrance estimates, and inheritance mode, an automated score was calculated to assess if this variant is too frequent to cause the disease. Based on the score and internal cut-off values, a variant classified as benign is not then subjected to further curation. The score for this variant resulted in a classification of benign for this disease.

Illumina Laboratory Services, Illumina
Classification: Benign for Myopathy, myofibrillar, 9, with early respiratory failure. Last evaluated: 2018-01-13. Review status: criteria provided, single submitter. Criteria: ICSL Variant Classification Criteria 13 December 2019. Collection method: clinical testing. Allele origin: germline.
Comment: the same text as in the submission from Illumina Laboratory Services, Illumina above.

Illumina Laboratory Services, Illumina
Classification: Uncertain significance for Early-onset myopathy with fatal cardiomyopathy. Last evaluated: 2018-01-13. Review status: criteria provided, single submitter. Criteria: ICSL Variant Classification Criteria 13 December 2019. Collection method: clinical testing. Allele origin: germline.

Illumina Laboratory Services, Illumina
Classification: Uncertain significance for Dilated cardiomyopathy 1G. Last evaluated: 2018-01-13. Review status: criteria provided, single submitter. Criteria: ICSL Variant Classification Criteria 13 December 2019. Collection method: clinical testing. Allele origin: germline.

Labcorp Genetics (formerly Invitae), Labcorp
Classification: Uncertain significance for Dilated cardiomyopathy 1G; Autosomal recessive limb-girdle muscular dystrophy type 2J. Last evaluated: 2017-11-16. Review status: criteria provided, single submitter. Criteria: Invitae Variant Classification Sherloc (09022015). Collection method: clinical testing. Allele origin: germline.

Clinical Genetics DNA and cytogenetics Diagnostics Lab, Erasmus MC, Erasmus Medical Center
Classification: Likely benign. Review status: no assertion criteria provided. Collection method: clinical testing. Allele origin: germline. Affected: yes. Study: VKGL Data-share Consensus. Not counted in ClinVar's aggregate classification.

Clinical Genetics, Academic Medical Center
Classification: Likely benign. Review status: no assertion criteria provided. Collection method: clinical testing. Allele origin: germline. Affected: yes. Study: VKGL Data-share Consensus. Not counted in ClinVar's aggregate classification.

Diagnostic Laboratory, Department of Genetics, University Medical Center Groningen
Classification: Likely benign. Review status: no assertion criteria provided. Collection method: clinical testing. Allele origin: germline. Affected: yes. Study: VKGL Data-share Consensus. Not counted in ClinVar's aggregate classification.

Genome Diagnostics Laboratory, University Medical Center Utrecht
Classification: Likely benign. Review status: no assertion criteria provided. Collection method: clinical testing. Allele origin: germline. Affected: yes. Study: VKGL Data-share Consensus. Not counted in ClinVar's aggregate classification.

Joint Genome Diagnostic Labs from Nijmegen and Maastricht, Radboudumc and MUMC+
Classification: Likely benign. Review status: no assertion criteria provided. Collection method: clinical testing. Allele origin: germline. Affected: yes. Study: VKGL Data-share Consensus. Not counted in ClinVar's aggregate classification.